The following is an entry in ClinVar:

ClinVar aggregate classification (germline): Likely pathogenic (1 of 4 stars; one submission).

Conditions:
Granulomatous disease, chronic, autosomal recessive, cytochrome b-positive, type 2. Also called: CGD, AUTOSOMAL RECESSIVE CYTOCHROME b-POSITIVE, TYPE II; GRANULOMATOUS DISEASE, CHRONIC, DUE TO NCF2 DEFICIENCY; Chronic Granulomatous Disease, Autosomal Recessive, Cytochrome b-Positive, Type II; GRANULOMATOUS DISEASE, CHRONIC, AUTOSOMAL RECESSIVE, 2; Chronic granulomatous disease due to deficiency of NCF-2. Identifiers: Orphanet 379, MedGen C1856245, MONDO:0009310, OMIM 233710.

Submission:

Labcorp Genetics (formerly Invitae), Labcorp
Classification: Likely pathogenic for Granulomatous disease, chronic, autosomal recessive, cytochrome b-positive, type 2. Last evaluated: 2025-05-11. Review status: criteria provided, single submitter. Criteria: Invitae Variant Classification Sherloc (09022015). Collection method: clinical testing. Allele origin: germline.
Comment: This sequence change affects an acceptor splice site in intron 3 of the NCF2 gene. It is expected to disrupt RNA splicing. Variants that disrupt the donor or acceptor splice site typically lead to a loss of protein function (PMID: 16199547), and loss-of-function variants in NCF2 are known to be pathogenic (PMID: 10498624, 20167518). This variant is not present in population databases (gnomAD no frequency). This variant has not been reported in the literature in individuals affected with NCF2-related conditions. Algorithms developed to predict the effect of sequence changes on RNA splicing suggest that this variant may disrupt the consensus splice site. In summary, the currently available evidence indicates that the variant is pathogenic, but additional data are needed to prove that conclusively. Therefore, this variant has been classified as Likely Pathogenic.

Literature cited by the submitters: PubMed 16199547; PubMed 10498624; PubMed 20167518.

NM_000433.4(NCF2):c.367-1G>C

Gene: NCF2 (neutrophil cytosolic factor 2; minus strand). Cytogenetic location: 1q25.3.
Variant type: single nucleotide variant.
Coding change: c.367-1G>C on transcript NM_000433.4 (MANE Select); the canonical splice acceptor site of the intron before coding-DNA position 367, G replaced by C.
Molecular consequence: splice acceptor variant. On other transcripts: intron variant (2).
Genome position (GRCh38, 1-based): chr1:183,574,622, C>G on the plus strand (G>C on the coding strand, the complement: NCF2 is on the minus strand). VCF-style: chr1-183574622-C-G. GRCh37 (hg19) VCF-style: chr1-183543757-C-G.
Other names: c.367-1G>C (NM_001410895.1, NM_001127651.3); c.366+2977G>C (NM_001190789.2); c.367-1330G>C (NM_001190794.2).
Identifiers: ClinVar variation 4767341 (VCV004767341.1).
Genomic context (GRCh38, chr1:183,574,622, plus strand): 5'-TTCTTCAGCTTTTTTCCATTCCTCCTTCTTGGCATACATGAAAGCAATGTTATATAACAC[C>G]TAGAAAAGTACAGACCGCAACATAAAACTTGAGACTACTCCAAATCAAGGTGCCAGGGAA-3'